The following is an entry in ClinVar:

NM_000293.3(PHKB):c.3098A>G (p.Asn1033Ser)

Gene: PHKB (phosphorylase kinase regulatory subunit beta; plus strand). Cytogenetic location: 16q12.1.
Variant type: single nucleotide variant.
Coding change: c.3098A>G on transcript NM_000293.3 (MANE Select); coding-DNA position 3098, A replaced by G.
Protein change: p.Asn1033Ser; replaces asparagine 1033 with serine.
Molecular consequence: missense variant.
Genome position (GRCh38, 1-based): chr16:47,698,542, A>G. VCF-style: chr16-47698542-A-G. GRCh37 (hg19) VCF-style: chr16-47732453-A-G.
Other names: c.3077A>G, p.Asn1026Ser (NM_001031835.3); c.3098A>G, p.Asn1033Ser (NM_001363837.1); c.3098A>G (NM_000293.2); short protein forms N1026S, N1033S.
Identifiers: ClinVar variation 2182633 (VCV002182633.2), dbSNP rs894560511, ClinGen allele CA280739863.
Genomic context (GRCh38, chr16:47,698,542, plus strand): 5'-ACCCCGAGCTAGAATTTCAAGACAAAGTAGATCTAGACAGACTGGTCAAAGAAGCATTTA[A>G]TGAATTTCAAAAAGATCAGAGTCGGCTAAAGGAAATTGAAAAACAAGTAAGTACACAGCT-3'
Protein context (NP_000284.1, residues 1023-1043): DLDRLVKEAF[Asn1033Ser]EFQKDQSRLK

ClinVar aggregate classification (germline): Uncertain significance. Review status: criteria provided, multiple submitters, no conflicts (2 of 4 stars). 2 submissions from 2 submitters: Uncertain significance (2). Last evaluated 2025-07-03.

Conditions:
Inborn genetic diseases. Identifiers: MedGen C0950123, MeSH D030342.
Glycogen storage disease IXb (GSD9B). Also called: GLYCOGENOSIS OF LIVER AND MUSCLE, AUTOSOMAL RECESSIVE; GSD IXb; PHOSPHORYLASE KINASE DEFICIENCY OF LIVER AND MUSCLE, AUTOSOMAL RECESSIVE. Identifiers: Orphanet 79240, MedGen C0543514, MONDO:0009868, OMIM 261750.

Allele frequency attached by ClinVar (database versions not stated): gnomAD exomes below 0.00001; gnomAD 0.00001; TOPMed 0.00001.
gnomAD v4.1: 8 of 1,608,698 alleles (0.0005%); highest among the groups gnomAD compares: Middle Eastern, 0.017%; no homozygotes.

Submissions (2):

Ambry Genetics
Classification: Uncertain significance for Inborn genetic diseases. Last evaluated: 2025-07-03. Review status: criteria provided, single submitter. Criteria: Ambry Variant Classification Scheme 2023. Collection method: clinical testing. Allele origin: germline.

Labcorp Genetics (formerly Invitae), Labcorp
Classification: Uncertain significance for Glycogen storage disease IXb. Last evaluated: 2022-06-22. Review status: criteria provided, single submitter. Criteria: Invitae Variant Classification Sherloc (09022015). Collection method: clinical testing. Allele origin: germline.
Comment: This sequence change replaces asparagine, which is neutral and polar, with serine, which is neutral and polar, at codon 1033 of the PHKB protein (p.Asn1033Ser). This variant is not present in population databases (gnomAD no frequency). This variant has not been reported in the literature in individuals affected with PHKB-related conditions. Algorithms developed to predict the effect of missense changes on protein structure and function (SIFT, PolyPhen-2, Align-GVGD) all suggest that this variant is likely to be tolerated. In summary, the available evidence is currently insufficient to determine the role of this variant in disease. Therefore, it has been classified as a Variant of Uncertain Significance.